The following is an entry in ClinVar:

ClinVar aggregate classification (germline): Uncertain significance (1 of 4 stars; one submission).

Allele frequency attached by ClinVar (database versions not stated): gnomAD exomes below 0.00001; TOPMed below 0.00001.
gnomAD v4.1: 1 of 1,613,896 alleles (0.000062%); highest among the groups gnomAD compares: African/African-American, 0.0013%; no homozygotes.

Submission:

Labcorp Genetics (formerly Invitae), Labcorp
Classification: Uncertain significance. Last evaluated: 2022-10-17. Review status: criteria provided, single submitter. Criteria: Invitae Variant Classification Sherloc (09022015). Collection method: clinical testing. Allele origin: germline.
Comment: This variant is not present in population databases (gnomAD no frequency). In summary, the available evidence is currently insufficient to determine the role of this variant in disease. Therefore, it has been classified as a Variant of Uncertain Significance. Advanced modeling of protein sequence and biophysical properties (such as structural, functional, and spatial information, amino acid conservation, physicochemical variation, residue mobility, and thermodynamic stability) performed at Invitae indicates that this missense variant is not expected to disrupt ADGRV1 protein function. ClinVar contains an entry for this variant (Variation ID: 1056589). This variant has not been reported in the literature in individuals affected with ADGRV1-related conditions. This sequence change replaces aspartic acid, which is acidic and polar, with tyrosine, which is neutral and polar, at codon 2020 of the ADGRV1 protein (p.Asp2020Tyr).

NM_032119.4(ADGRV1):c.6058G>T (p.Asp2020Tyr)

Gene: ADGRV1 (adhesion G protein-coupled receptor V1; plus strand). Cytogenetic location: 5q14.3.
Variant type: single nucleotide variant.
Coding change: c.6058G>T on transcript NM_032119.4 (MANE Select); coding-DNA position 6058, G replaced by T.
Protein change: p.Asp2020Tyr; replaces aspartic acid 2020 with tyrosine.
Molecular consequence: missense variant. On other transcripts: non-coding transcript variant (1).
Genome position (GRCh38, 1-based): chr5:90,683,979, G>T. VCF-style: chr5-90683979-G-T. GRCh37 (hg19) VCF-style: chr5-89979796-G-T.
Other names: short protein forms D2020Y.
Identifiers: ClinVar variation 1056589 (VCV001056589.9), dbSNP rs1745277936, ClinGen allele CA360414035.
Genomic context (GRCh38, chr5:90,683,979, plus strand): 5'-TCAATAATAAGGTTGAAAGGCCTCATGGGAAAAGTCCTTGTCTCATATGCAACACTAGAT[G>T]ATATGGAAAAACCACCTTATTTTCCACCTAATTTAGCGAGAGCAACTCAAGGAAGAGACT-3'
Protein context (NP_115495.3, residues 2010-2030): KVLVSYATLD[Asp2020Tyr]MEKPPYFPPN